The following is an entry in ClinVar:

ClinVar aggregate classification (germline): Pathogenic. Review status: criteria provided, multiple submitters, no conflicts (2 of 4 stars). 2 submissions from 2 submitters: Pathogenic (2). Last evaluated 2023-08-17.

Conditions:
Hereditary nonpolyposis colorectal neoplasms. Identifiers: MedGen C0009405, MeSH D003123.
Lynch syndrome 5 (LYNCH5). Also called: Hereditary non-polyposis colorectal cancer, type 5; Colorectal cancer, hereditary nonpolyposis, type 5. Identifiers: Orphanet 144, MedGen C1833477, MONDO:0013710, OMIM 614350. Disease mechanism: loss of function.

Submissions (2):

Myriad Genetics, Inc.
Classification: Pathogenic for Lynch syndrome 5. Last evaluated: 2023-08-17. Review status: criteria provided, single submitter. Criteria: Myriad Autosomal Dominant, Autosomal Recessive and X-Linked Classification Criteria (2023). Collection method: clinical testing. Allele origin: unknown.
Comment: This variant is considered pathogenic. This variant creates a frameshift predicted to result in premature protein truncation.

Labcorp Genetics (formerly Invitae), Labcorp
Classification: Pathogenic for Hereditary nonpolyposis colorectal neoplasms. Last evaluated: 2022-02-22. Review status: criteria provided, single submitter. Criteria: Invitae Variant Classification Sherloc (09022015). Collection method: clinical testing. Allele origin: germline.
Comment: This sequence change creates a premature translational stop signal (p.Cys869Trpfs*8) in the MSH6 gene. It is expected to result in an absent or disrupted protein product. Loss-of-function variants in MSH6 are known to be pathogenic (PMID: 18269114, 24362816). This variant is not present in population databases (gnomAD no frequency). This variant has not been reported in the literature in individuals affected with MSH6-related conditions. For these reasons, this variant has been classified as Pathogenic.

Literature cited by the submitters: PubMed 18269114 (cited by Labcorp Genetics (formerly Invitae), Labcorp); PubMed 24362816 (cited by Labcorp Genetics (formerly Invitae), Labcorp).

NM_000179.3(MSH6):c.2607_2617del (p.Cys869fs)

Gene: MSH6 (mutS homolog 6; plus strand). Cytogenetic location: 2p16.3.
Variant type: Deletion.
Coding change: c.2607_2617del on transcript NM_000179.3 (MANE Select); coding-DNA positions 2607 to 2617, 11 bases deleted (TAAAATTATAG).
Protein change: p.Cys869fs; shifts the reading frame from cysteine 869.
Molecular consequence: frameshift variant.
Genome position (GRCh38, 1-based): chr2:47,800,590-47,800,600, TAAAATTATAG deleted; deleting any 11 consecutive bases within chr2:47,800,589-47,800,600 gives the same sequence; the c. name uses the placement nearest the transcript's 3' end. VCF-style (leftmost placement, unchanged base first): chr2-47800588-TGTAAAATTATA-T. GRCh37 (hg19) VCF-style: chr2-48027727-TGTAAAATTATA-T.
Other names: c.2217_2227del, p.Cys739fs (NM_001281492.2); c.1701_1711del, p.Cys567fs (NM_001281493.2, NM_001281494.2); c.2703_2713delTAAAATTATAG, p.Cys901Trpfs (NM_001406795.1, NM_001406802.1); c.2607_2617delTAAAATTATAG, p.Cys869Trpfs (NM_001406796.1, NM_001406798.1, NM_001406800.1 and 2 more transcripts); c.2310_2320delTAAAATTATAG, p.Cys770Trpfs (NM_001406797.1, NM_001406801.1, NM_001406805.1 and 10 more transcripts); c.2082_2092delTAAAATTATAG, p.Cys694Trpfs (NM_001406799.1, NM_001406806.1, NM_001406807.1); c.2529_2539delTAAAATTATAG, p.Cys843Trpfs (NM_001406804.1); c.1701_1711delTAAAATTATAG, p.Cys567Trpfs (NM_001406811.1, NM_001406812.1, NM_001406814.1 and 4 more transcripts); and 2 more; short protein forms C869fs, C567fs, C739fs.
Identifiers: ClinVar variation 2101501 (VCV002101501.5), dbSNP rs2530682664, ClinGen allele CA2580067963.